The following is an entry in ClinVar:

NM_001042492.3(NF1):c.8073T>C (p.His2691=)

Gene: NF1 (neurofibromin 1; plus strand). Cytogenetic location: 17q11.2.
Variant type: single nucleotide variant.
Coding change: c.8073T>C on transcript NM_001042492.3 (MANE Select); coding-DNA position 8073, T replaced by C.
Protein change: p.His2691=; no amino-acid change (histidine 2691 retained).
Molecular consequence: synonymous variant.
Genome position (GRCh38, 1-based): chr17:31,358,582, T>C. VCF-style: chr17-31358582-T-C. GRCh37 (hg19) VCF-style: chr17-29685600-T-C.
Other names: c.8010T>C, p.His2670= (NM_000267.4).
Identifiers: ClinVar variation 1665828 (VCV001665828.11), dbSNP rs375468032, ClinGen allele CA499345391.

ClinVar aggregate classification (germline): Benign/Likely benign. Review status: criteria provided, multiple submitters, no conflicts (2 of 4 stars). 4 submissions from 4 submitters: Benign (1); Likely benign (3). Last evaluated 2026-07-22.

Conditions:
Hereditary cancer-predisposing syndrome. Also called: Tumor predisposition; Hereditary neoplastic syndrome; Neoplastic Syndromes, Hereditary; Hereditary Cancer Syndrome. Identifiers: Orphanet 140162, MedGen C0027672, MeSH D009386, MONDO:0015356.
Cardiovascular phenotype. Identifiers: MedGen CN230736.
Neurofibromatosis, type 1 (NF1). Also called: NEUROFIBROMATOSIS, TYPE I, SOMATIC; Neurofibromatosis, type I; VON RECKLINGHAUSEN DISEASE; Peripheral type neurofibromatosis. Identifiers: Orphanet 636, MedGen C0027831, MONDO:0018975, OMIM 162200. Disease mechanism: loss of function.

Submissions (4):

Ambry Genetics
Classification: Likely benign for Cardiovascular phenotype; Hereditary cancer-predisposing syndrome. Last evaluated: 2026-07-22. Review status: criteria provided, single submitter. Criteria: Ambry Variant Classification Scheme 2023. Collection method: clinical testing. Allele origin: germline.

Myriad Genetics, Inc.
Classification: Benign for Neurofibromatosis, type 1. Last evaluated: 2026-05-22. Review status: criteria provided, single submitter. Criteria: Myriad Autosomal Dominant, Autosomal Recessive and X-Linked Classification Criteria (2023). Collection method: clinical testing. Allele origin: unknown.
Comment: This variant is considered benign. This variant is a silent/synonymous amino acid change and it is not expected to impact splicing.

Labcorp Genetics (formerly Invitae), Labcorp
Classification: Likely benign for Neurofibromatosis, type 1. Last evaluated: 2025-11-09. Review status: criteria provided, single submitter. Criteria: Invitae Variant Classification Sherloc (09022015). Collection method: clinical testing. Allele origin: germline.

Blueprint Genetics
Classification: Likely benign. Last evaluated: 2022-11-23. Review status: criteria provided, single submitter. Criteria: ACMG Guidelines, 2015. Collection method: clinical testing. Allele origin: germline.